The following is an entry in ClinVar:

ClinVar aggregate classification (germline): Conflicting classifications of pathogenicity. Review status: criteria provided, conflicting classifications (1 of 4 stars). 2 submissions from 2 submitters: Uncertain significance (1); Likely benign (1). Last evaluated 2024-08-21.

Conditions:
Lowe syndrome (OCRL). Also called: LOWE OCULOCEREBRORENAL SYNDROME; PHOSPHATIDYLINOSITOL 4,5-BISPHOSPHATE 5-PHOSPHATASE DEFICIENCY; Oculocerebrorenal Syndrome. Identifiers: Orphanet 534, MedGen C0028860, MONDO:0010645, OMIM 309000.
Dent disease type 2. Identifiers: Orphanet 1652, Orphanet 93623, MedGen C1845167, MONDO:0010359, OMIM 300555.

Allele frequency attached by ClinVar (database versions not stated): gnomAD exomes 0.00001; TOPMed 0.00001.

Submissions (2):

Labcorp Genetics (formerly Invitae), Labcorp
Classification: Likely benign for Lowe syndrome. Last evaluated: 2024-08-21. Review status: criteria provided, single submitter. Criteria: Invitae Variant Classification Sherloc (09022015). Collection method: clinical testing. Allele origin: germline.

Neuberg Centre For Genomic Medicine, NCGM
Classification: Uncertain significance for Dent disease type 2. Review status: criteria provided, single submitter. Criteria: ACMG Guidelines, 2015. Collection method: clinical testing. Allele origin: germline. Inheritance: X-linked recessive inheritance. Affected: yes.
Comment: The splice intronic c.1467-4dup variant in OCRL gene has not been previously reported as pathogenic variant nor as a benign variant, to our knowledge. The c.1467-4dup variant has been reported with allele frequency of 0.002% in gnomAD Exomes and is novel (not in any individuals) in 1000 Genomes. This variant has been reported to the ClinVar database as Likely Benign. Additional functional studies will be required to prove the pathogenicity of this variant. For these reasons, this variant has been classified as Variant of Uncertain Significance (VUS).

NM_000276.4(OCRL):c.1467-4dup

Gene: OCRL (OCRL inositol polyphosphate-5-phosphatase; plus strand). Cytogenetic location: Xq26.1.
Variant type: Duplication.
Coding change: c.1467-4dup on transcript NM_000276.4 (MANE Select); 4 bases into the intron before coding-DNA position 1467, one base duplicated (A; older notation c.1467-4dupA).
Molecular consequence: intron variant.
Genome position (GRCh38, 1-based): chrX:129,569,260, A duplicated. VCF-style (leftmost placement, unchanged base first): chrX-129569259-T-TA. GRCh37 (hg19) VCF-style: chrX-128703236-T-TA.
Other names: c.1467-4dup (NM_001587.4); c.1470-4dup (NM_001318784.2).
Identifiers: ClinVar variation 2067457 (VCV002067457.5), dbSNP rs1455126476, ClinGen allele CA644431071.